The following is an entry in ClinVar:

NM_198252.3(GSN):c.1295G>C (p.Gly432Ala)

Gene: GSN (gelsolin; plus strand). Cytogenetic location: 9q33.2.
Variant type: single nucleotide variant.
Coding change: c.1295G>C on transcript NM_198252.3 (MANE Select); coding-DNA position 1295, G replaced by C.
Protein change: p.Gly432Ala; replaces glycine 432 with alanine.
Molecular consequence: missense variant.
Genome position (GRCh38, 1-based): chr9:121,321,371, G>C. VCF-style: chr9-121321371-G-C. GRCh37 (hg19) VCF-style: chr9-124083649-G-C.
Other names: c.1295G>C, p.Gly432Ala (NM_001353054.1, NM_001353055.2, NM_001353056.2 and 10 more transcripts); c.1328G>C, p.Gly443Ala (NM_001353063.2, NM_001127666.2, NM_001127667.2 and 13 more transcripts); c.1448G>C, p.Gly483Ala (NM_000177.5); c.1403G>C, p.Gly468Ala (NM_001127663.2); c.1346G>C, p.Gly449Ala (NM_001258029.2); c.1319G>C, p.Gly440Ala (NM_001258030.2); c.1367G>C, p.Gly456Ala (NM_001353076.2); c.641G>C, p.Gly214Ala (NM_001353078.2); short protein forms G440A, G449A, G483A, G468A, G443A, G456A, G214A, G432A.
Identifiers: ClinVar variation 1418139 (VCV001418139.6), dbSNP rs148309276, ClinGen allele CA374750019.

ClinVar aggregate classification (germline): Uncertain significance (1 of 4 stars; one submission).

Submission:

Labcorp Genetics (formerly Invitae), Labcorp
Classification: Uncertain significance. Last evaluated: 2021-09-26. Review status: criteria provided, single submitter. Criteria: Invitae Variant Classification Sherloc (09022015). Collection method: clinical testing. Allele origin: germline.
Comment: In summary, the available evidence is currently insufficient to determine the role of this variant in disease. Therefore, it has been classified as a Variant of Uncertain Significance. Algorithms developed to predict the effect of missense changes on protein structure and function output the following: SIFT: "Tolerated"; PolyPhen-2: "Benign"; Align-GVGD: "Class C0". The alanine amino acid residue is found in multiple mammalian species, which suggests that this missense change does not adversely affect protein function. This variant has not been reported in the literature in individuals affected with GSN-related conditions. This variant is not present in population databases (ExAC no frequency). This sequence change replaces glycine with alanine at codon 483 of the GSN protein (p.Gly483Ala). The glycine residue is weakly conserved and there is a small physicochemical difference between glycine and alanine.